The following is an entry in ClinVar:

NM_020191.4(MRPS22):c.173-291G>A

Gene: MRPS22 (mitochondrial ribosomal protein S22; plus strand). Cytogenetic location: 3q23.
Variant type: single nucleotide variant.
Coding change: c.173-291G>A on transcript NM_020191.4 (MANE Select); 291 bases into the intron before coding-DNA position 173, G replaced by A.
Molecular consequence: intron variant.
Genome position (GRCh38, 1-based): chr3:139,346,587, G>A. VCF-style: chr3-139346587-G-A. GRCh37 (hg19) VCF-style: chr3-139065429-G-A.
Other names: c.173-294G>A (NM_001363893.1); c.50-291G>A (NM_001363857.1).
Identifiers: ClinVar variation 671343 (VCV000671343.1), dbSNP rs59960641, ClinGen allele CA83993397.
Genomic context (GRCh38, chr3:139,346,587, plus strand): 5'-TTTTGTGAGTGGTTATAAGCATTCCTGAAAATGTGTGTTATACCTGCCATATAGGAGACA[G>A]CTCTGTAAGTGGCAGCAACCATTACAGTTATTACATTAATTACTTTATTACTGTTACTTC-3'

ClinVar aggregate classification (germline): Benign (1 of 4 stars; one submission).

Allele frequency attached by ClinVar (database versions not stated): 1000 Genomes Project 0.06010; 1000 Genomes Project 30x 0.06090; TOPMed 0.06590; gnomAD 0.07542 and 0.07548.

Submission:

GeneDx
Classification: Benign. Last evaluated: 2018-06-19. Review status: criteria provided, single submitter. Criteria: GeneDx Variant Classification (06012015). Collection method: clinical testing. Allele origin: germline. Affected: yes.
Comment: This variant is considered likely benign or benign based on one or more of the following criteria: it is a conservative change, it occurs at a poorly conserved position in the protein, it is predicted to be benign by multiple in silico algorithms, and/or has population frequency not consistent with disease.